The following is an entry in ClinVar:

NM_147127.5(EVC2):c.780G>C (p.Lys260Asn)

Gene: EVC2 (EvC ciliary complex subunit 2; minus strand). Cytogenetic location: 4p16.2.
Variant type: single nucleotide variant.
Coding change: c.780G>C on transcript NM_147127.5 (MANE Select); coding-DNA position 780, G replaced by C.
Protein change: p.Lys260Asn; replaces lysine 260 with asparagine.
Molecular consequence: missense variant.
Genome position (GRCh38, 1-based): chr4:5,685,406, C>G on the plus strand (G>C on the coding strand, the complement: EVC2 is on the minus strand). VCF-style: chr4-5685406-C-G. GRCh37 (hg19) VCF-style: chr4-5687133-C-G.
Other names: c.540G>C, p.Lys180Asn (NM_001166136.2); short protein forms K180N, K260N.
Identifiers: ClinVar variation 4792694 (VCV004792694.1).

ClinVar aggregate classification (germline): Uncertain significance (1 of 4 stars; one submission).

Conditions:
Ellis-van Creveld syndrome (EVC). Also called: EVC-Related Ellis-van Creveld Syndrome; EVC2-Related Ellis-van Creveld Syndrome; MESOECTODERMAL DYSPLASIA; Chondroectodermal dysplasia. Identifiers: Orphanet 289, MedGen C0013903, MONDO:0009162, OMIM 225500.
Curry-Hall syndrome (WAD). Also called: WEYERS ACRODENTAL DYSOSTOSIS. Identifiers: Orphanet 952, MedGen C0457013, MONDO:0008673, OMIM 193530.

Submission:

Labcorp Genetics (formerly Invitae), Labcorp
Classification: Uncertain significance for Curry-Hall syndrome; Ellis-van Creveld syndrome. Last evaluated: 2026-01-04. Review status: criteria provided, single submitter. Criteria: Invitae Variant Classification Sherloc (09022015). Collection method: clinical testing. Allele origin: germline.
Comment: This sequence change replaces lysine, which is basic and polar, with asparagine, which is neutral and polar, at codon 260 of the EVC2 protein (p.Lys260Asn). This variant is not present in population databases (gnomAD no frequency). This variant has not been reported in the literature in individuals affected with EVC2-related conditions. An algorithm developed to predict the effect of missense changes on protein structure and function outputs the following: PolyPhen-2: "Benign". The asparagine amino acid residue is found in multiple mammalian species, which suggests that this missense change does not adversely affect protein function. In summary, the available evidence is currently insufficient to determine the role of this variant in disease. Therefore, it has been classified as a Variant of Uncertain Significance.